The following is an entry in ClinVar:

NM_001190.4(BCAT2):c.712G>A (p.Val238Met)

Gene: BCAT2 (branched chain amino acid transaminase 2; minus strand). Cytogenetic location: 19q13.33.
Variant type: single nucleotide variant.
Coding change: c.712G>A on transcript NM_001190.4 (MANE Select); coding-DNA position 712, G replaced by A.
Protein change: p.Val238Met; replaces valine 238 with methionine.
Molecular consequence: missense variant.
Genome position (GRCh38, 1-based): chr19:48,797,317, C>T on the plus strand (G>A on the coding strand, the complement: BCAT2 is on the minus strand). VCF-style: chr19-48797317-C-T. GRCh37 (hg19) VCF-style: chr19-49300574-C-T.
Other names: c.436G>A, p.Val146Met (NM_001164773.2); c.592G>A, p.Val198Met (NM_001284325.2); c.712G>A (NM_001190.3); short protein forms V198M, V238M, V146M.
Identifiers: ClinVar variation 808610 (VCV000808610.44), dbSNP rs139881168, ClinGen allele CA9558328.

ClinVar aggregate classification (germline): Uncertain significance. Review status: criteria provided, multiple submitters, no conflicts (2 of 4 stars). 3 submissions from 3 submitters: Uncertain significance (3). Last evaluated 2024-05-26.

Allele frequency attached by ClinVar (database versions not stated): ExAC 0.00003; gnomAD 0.00003; TOPMed 0.00004; gnomAD exomes 0.00006; ESP Exome Variant Server 0.00008.

Submissions (3):

Ambry Genetics
Classification: Uncertain significance. Last evaluated: 2024-05-26. Review status: criteria provided, single submitter. Criteria: Ambry Variant Classification Scheme 2023. Collection method: clinical testing. Allele origin: germline.

Labcorp Genetics (formerly Invitae), Labcorp
Classification: Uncertain significance. Last evaluated: 2022-07-19. Review status: criteria provided, single submitter. Criteria: Invitae Variant Classification Sherloc (09022015). Collection method: clinical testing. Allele origin: germline.
Comment: This sequence change replaces valine, which is neutral and non-polar, with methionine, which is neutral and non-polar, at codon 238 of the BCAT2 protein (p.Val238Met). This variant is present in population databases (rs139881168, gnomAD 0.01%). This variant has not been reported in the literature in individuals affected with BCAT2-related conditions. ClinVar contains an entry for this variant (Variation ID: 808610). Algorithms developed to predict the effect of missense changes on protein structure and function are either unavailable or do not agree on the potential impact of this missense change (SIFT: "Deleterious"; PolyPhen-2: "Possibly Damaging"; Align-GVGD: "Class C0"). In summary, the available evidence is currently insufficient to determine the role of this variant in disease. Therefore, it has been classified as a Variant of Uncertain Significance.

CeGaT Center for Human Genetics Tuebingen
Classification: Uncertain significance. Last evaluated: 2016-05-01. Review status: criteria provided, single submitter. Criteria: CeGaT Center For Human Genetics Tuebingen Variant Classification Criteria Version 2. Collection method: clinical testing. Allele origin: germline. Affected: yes. Observed: 1 variant allele.